The following is an entry in ClinVar:

ClinVar aggregate classification (germline): Uncertain significance. Review status: criteria provided, multiple submitters, no conflicts (2 of 4 stars). 2 submissions from 2 submitters: Uncertain significance (2). Last evaluated 2025-10-22.

Conditions:
Hereditary cancer-predisposing syndrome. Also called: Tumor predisposition; Neoplastic Syndromes, Hereditary; Hereditary Cancer Syndrome; Hereditary neoplastic syndrome. Identifiers: Orphanet 140162, MedGen C0027672, MeSH D009386, MONDO:0015356.
Ataxia-telangiectasia syndrome (AT). Also called: Ataxia-telangiectasia; LOUIS-BAR SYNDROME; Ataxia-telangiectasia, complementation group D; AT, COMPLEMENTATION GROUP C; ATAXIA-TELANGIECTASIA, COMPLEMENTATION GROUP A; ATAXIA-TELANGIECTASIA, FRESNO VARIANT. Identifiers: Orphanet 100, MedGen C0004135, MONDO:0008840, OMIM 208900.

Submissions (2):

Ambry Genetics
Classification: Uncertain significance for Hereditary cancer-predisposing syndrome. Last evaluated: 2025-10-22. Review status: criteria provided, single submitter. Criteria: Ambry Variant Classification Scheme 2023. Collection method: clinical testing. Allele origin: germline.
Comment: The p.N2994K variant (also known as c.8982T>A), located in coding exon 61 of the ATM gene, results from a T to A substitution at nucleotide position 8982. The asparagine at codon 2994 is replaced by lysine, an amino acid with similar properties. This amino acid position is conserved. In addition, this alteration is predicted to be tolerated by in silico analysis. Based on the available evidence, the clinical significance of this variant remains unclear.

Labcorp Genetics (formerly Invitae), Labcorp
Classification: Uncertain significance for Ataxia-telangiectasia syndrome. Last evaluated: 2021-06-01. Review status: criteria provided, single submitter. Criteria: Invitae Variant Classification Sherloc (09022015). Collection method: clinical testing. Allele origin: germline.
Comment: In summary, the available evidence is currently insufficient to determine the role of this variant in disease. Therefore, it has been classified as a Variant of Uncertain Significance. Algorithms developed to predict the effect of missense changes on protein structure and function (SIFT, PolyPhen-2, Align-GVGD) all suggest that this variant is likely to be tolerated, but these predictions have not been confirmed by published functional studies and their clinical significance is uncertain. This variant has not been reported in the literature in individuals with ATM-related conditions. This variant is not present in population databases (ExAC no frequency). This sequence change replaces asparagine with lysine at codon 2994 of the ATM protein (p.Asn2994Lys). The asparagine residue is weakly conserved and there is a moderate physicochemical difference between asparagine and lysine.

NM_000051.4(ATM):c.8982T>A (p.Asn2994Lys)

Genes: ATM (ATM serine/threonine kinase; plus strand), C11orf65 (chromosome 11 open reading frame 65; minus strand). Cytogenetic location: 11q22.3.
Variant type: single nucleotide variant.
Coding change: c.8982T>A on transcript NM_000051.4 (MANE Select); coding-DNA position 8982, T replaced by A.
Protein change: p.Asn2994Lys; replaces asparagine 2994 with lysine.
Molecular consequence: missense variant. On other transcripts: intron variant (2).
Genome position (GRCh38, 1-based): chr11:108,365,213, T>A. VCF-style: chr11-108365213-T-A. GRCh37 (hg19) VCF-style: chr11-108235940-T-A.
Other names: c.8982T>A, p.Asn2994Lys (NM_001351834.2); c.640+20707A>T (NM_001330368.2); c.694+20707A>T (NM_001351110.2); short protein forms N2994K.
Identifiers: ClinVar variation 1358124 (VCV001358124.9), dbSNP rs2137888159, ClinGen allele CA382530494.